The following is an entry in ClinVar:

ClinVar aggregate classification (germline): Pathogenic/Likely pathogenic. Review status: criteria provided, multiple submitters, no conflicts (2 of 4 stars). 4 submissions from 4 submitters: Pathogenic (3); Likely pathogenic (1). Last evaluated 2025-07-23.

Conditions:
Familial cancer of breast. Also called: BREAST CANCER, FAMILIAL; Hereditary breast cancer; hereditary breast carcinoma. Identifiers: Orphanet 227535, MedGen C0346153, MONDO:0016419, OMIM 114480. Disease mechanism: loss of function.
Hereditary cancer-predisposing syndrome. Also called: Tumor predisposition; Hereditary neoplastic syndrome; Hereditary Cancer Syndrome; Neoplastic Syndromes, Hereditary. Identifiers: Orphanet 140162, MedGen C0027672, MeSH D009386, MONDO:0015356.

Allele frequency attached by ClinVar (database versions not stated): ExAC 0.00001.

Submissions (4):

Ambry Genetics
Classification: Pathogenic for Hereditary cancer-predisposing syndrome. Last evaluated: 2025-07-23. Review status: criteria provided, single submitter. Criteria: Ambry Variant Classification Scheme 2023. Collection method: clinical testing. Allele origin: germline.
Comment: The c.1290dupT pathogenic mutation, located in coding exon 11 of the CHEK2 gene, results from a duplication of T at nucleotide position 1290, causing a translational frameshift with a predicted alternate stop codon (p.R431*). This alteration is expected to result in loss of function by premature protein truncation or nonsense-mediated mRNA decay. As such, this alteration is interpreted as a disease-causing mutation.

Labcorp Genetics (formerly Invitae), Labcorp
Classification: Pathogenic for Familial cancer of breast. Last evaluated: 2023-10-20. Review status: criteria provided, single submitter. Criteria: Invitae Variant Classification Sherloc (09022015). Collection method: clinical testing. Allele origin: germline.
Comment: This sequence change creates a premature translational stop signal (p.Arg431*) in the CHEK2 gene. It is expected to result in an absent or disrupted protein product. Loss-of-function variants in CHEK2 are known to be pathogenic (PMID: 21876083, 24713400). The frequency data for this variant in the population databases is considered unreliable, as metrics indicate poor data quality at this position in the gnomAD database. This variant has not been reported in the literature in individuals affected with CHEK2-related conditions. ClinVar contains an entry for this variant (Variation ID: 936476). For these reasons, this variant has been classified as Pathogenic.

Myriad Genetics, Inc.
Classification: Pathogenic for Familial cancer of breast. Last evaluated: 2023-06-28. Review status: criteria provided, single submitter. Criteria: Myriad Autosomal Dominant, Autosomal Recessive and X-Linked Classification Criteria (2023). Collection method: clinical testing. Allele origin: unknown.
Comment: This variant is considered pathogenic. This variant creates a termination codon and is predicted to result in premature protein truncation.

Baylor Genetics
Classification: Likely pathogenic for Familial cancer of breast. Last evaluated: 2021-04-02. Review status: criteria provided, single submitter. Criteria: ACMG Guidelines, 2015. Collection method: clinical testing. Allele origin: unknown.

Literature cited by the submitters: PubMed 21876083 (cited by Labcorp Genetics (formerly Invitae), Labcorp); PubMed 24713400 (cited by Labcorp Genetics (formerly Invitae), Labcorp).

NM_007194.4(CHEK2):c.1290dup (p.Arg431Ter)

Gene: CHEK2 (checkpoint kinase 2; minus strand). Cytogenetic location: 22q12.1.
Variant type: Duplication.
Coding change: c.1290dup on transcript NM_007194.4 (MANE Select); coding-DNA position 1290, one base duplicated (T; older notation c.1290dupT).
Protein change: p.Arg431Ter; replaces arginine 431 with a stop codon.
Molecular consequence: nonsense. On other transcripts: frameshift variant (4).
Genome position (GRCh38, 1-based): chr22:28,695,212, A duplicated on the plus strand (T on the coding strand, the reverse complement: CHEK2 is on the minus strand). VCF-style (leftmost placement, unchanged base first): chr22-28695211-T-TA. GRCh37 (hg19) VCF-style: chr22-29091199-T-TA.
Other names: c.1290dupT (NM_007194.3); c.1419dup, p.Arg474Terfs (NM_001005735.3); c.627dup, p.Arg210Terfs (NM_001257387.3); c.1089dup, p.Arg364Terfs (NM_001349956.3); c.1203dup, p.Arg402Terfs (NM_145862.3); short protein forms R210*, R364*, R431*, R402*, R474*.
Identifiers: ClinVar variation 936476 (VCV000936476.14), dbSNP rs771772104, ClinGen allele CA10167681.